The following is an entry in ClinVar:

NM_000059.4(BRCA2):c.1390G>A (p.Val464Met)

Gene: BRCA2 (BRCA2 DNA repair associated; plus strand). Cytogenetic location: 13q13.1.
Variant type: single nucleotide variant.
Coding change: c.1390G>A on transcript NM_000059.4 (MANE Select); coding-DNA position 1390, G replaced by A.
Protein change: p.Val464Met; replaces valine 464 with methionine.
Molecular consequence: missense variant. On other transcripts: non-coding transcript variant (1), intron variant (1).
Genome position (GRCh38, 1-based): chr13:32,332,868, G>A. VCF-style: chr13-32332868-G-A. GRCh37 (hg19) VCF-style: chr13-32907005-G-A.
Other names: c.1390G>A, p.Val464Met (NM_001406719.1, NM_001406720.1, NM_001406721.1 and 1 more transcripts); c.424+1838G>A (NM_001406722.1); short protein forms V464M.
Identifiers: ClinVar variation 3693826 (VCV003693826.2).

ClinVar aggregate classification (germline): Uncertain significance (1 of 4 stars; one submission).

Conditions:
Hereditary breast ovarian cancer syndrome. Also called: BRCA1- and BRCA2-Associated Hereditary Breast and Ovarian Cancer; Breast and ovarian cancer; Hereditary breast and ovarian cancer; Hereditary breast and ovarian cancer syndrome (HBOC); Hereditary breast and ovarian cancer syndrome; Hereditary breast and/or ovarian cancer syndrome. Identifiers: Orphanet 145, MedGen C0677776, MeSH D061325, MONDO:0003582. Disease mechanism: loss of function.

Submission:

Labcorp Genetics (formerly Invitae), Labcorp
Classification: Uncertain significance for Hereditary breast ovarian cancer syndrome. Last evaluated: 2024-04-02. Review status: criteria provided, single submitter. Criteria: Invitae Variant Classification Sherloc (09022015). Collection method: clinical testing. Allele origin: germline.
Comment: This sequence change replaces valine, which is neutral and non-polar, with methionine, which is neutral and non-polar, at codon 464 of the BRCA2 protein (p.Val464Met). This variant is not present in population databases (gnomAD no frequency). This variant has not been reported in the literature in individuals affected with BRCA2-related conditions. Advanced modeling of protein sequence and biophysical properties (such as structural, functional, and spatial information, amino acid conservation, physicochemical variation, residue mobility, and thermodynamic stability) performed at Invitae indicates that this missense variant is not expected to disrupt BRCA2 protein function with a negative predictive value of 95%. In summary, the available evidence is currently insufficient to determine the role of this variant in disease. Therefore, it has been classified as a Variant of Uncertain Significance.